The following is an entry in ClinVar:

NM_015378.4(VPS13D):c.2854T>G (p.Ser952Ala)

Gene: VPS13D (vacuolar protein sorting 13 homolog D; plus strand). Cytogenetic location: 1p36.22.
Variant type: single nucleotide variant.
Coding change: c.2854T>G on transcript NM_015378.4 (MANE Select); coding-DNA position 2854, T replaced by G.
Protein change: p.Ser952Ala; replaces serine 952 with alanine.
Molecular consequence: missense variant.
Genome position (GRCh38, 1-based): chr1:12,276,442, T>G. VCF-style: chr1-12276442-T-G. GRCh37 (hg19) VCF-style: chr1-12336499-T-G.
Other names: p.Ser952Ala; c.2854T>G, p.Ser952Ala (NM_018156.4); short protein forms S952A.
Identifiers: ClinVar variation 3380843 (VCV003380843.1).
Genomic context (GRCh38, chr1:12,276,442, plus strand): 5'-ATGAATTTAACCCAGAGCATTGTGTTGTTGGAGCAGCATACCCGCGAGGTTCTGGTGGAG[T>G]CGCAGCTCCTCCTGGCGGAATTTAAAGTGAACTGTATGCAGCTTGGTGTTGAGAGCAATG-3'
Protein context (NP_056193.2, residues 942-962): EQHTREVLVE[Ser952Ala]QLLLAEFKVN

ClinVar aggregate classification (germline): Uncertain significance (1 of 4 stars; one submission).

gnomAD v4.1: 1 of 1,613,794 alleles (0.000062%); highest among the groups gnomAD compares: South Asian, 0.0011%; no homozygotes.

Submission:

Mayo Clinic Laboratories, Mayo Clinic
Classification: Uncertain significance. Last evaluated: 2024-07-23. Review status: criteria provided, single submitter. Criteria: ACMG Guidelines, 2015. Collection method: clinical testing. Allele origin: germline. Observed: 1 variant allele.
Comment: BP4, PM2